The following is an entry in ClinVar:

ClinVar aggregate classification (germline): Uncertain significance (1 of 4 stars; one submission).

Conditions:
Inborn genetic diseases. Identifiers: MedGen C0950123, MeSH D030342.

Submission:

Ambry Genetics
Classification: Uncertain significance for Inborn genetic diseases. Last evaluated: 2025-09-28. Review status: criteria provided, single submitter. Criteria: Ambry Variant Classification Scheme 2023. Collection method: clinical testing. Allele origin: germline.
Comment: The p.S619N variant (also known as c.1856G>A), located in coding exon 1 of the SAMD9L gene, results from a G to A substitution at nucleotide position 1856. The serine at codon 619 is replaced by asparagine, an amino acid with highly similar properties. This amino acid position is conserved. In addition, this alteration is predicted to be tolerated by in silico analysis. Based on the available evidence, the clinical significance of this variant remains unclear.

NM_152703.5(SAMD9L):c.1856G>A (p.Ser619Asn)

Gene: SAMD9L (sterile alpha motif domain containing 9 like; minus strand). Cytogenetic location: 7q21.2.
Variant type: single nucleotide variant.
Coding change: c.1856G>A on transcript NM_152703.5 (MANE Select); coding-DNA position 1856, G replaced by A.
Protein change: p.Ser619Asn; replaces serine 619 with asparagine.
Molecular consequence: missense variant.
Genome position (GRCh38, 1-based): chr7:93,134,116, C>T on the plus strand (G>A on the coding strand, the complement: SAMD9L is on the minus strand). VCF-style: chr7-93134116-C-T. GRCh37 (hg19) VCF-style: chr7-92763429-C-T.
Other names: c.1856G>A, p.Ser619Asn (NM_001303496.3, NM_001303497.3, NM_001303498.3 and 5 more transcripts); short protein forms S619N.
Identifiers: ClinVar variation 4630027 (VCV004630027.1).